The following is an entry in ClinVar:

NM_022455.5(NSD1):c.6789G>A (p.Ser2263=)

Gene: NSD1 (nuclear receptor binding SET domain protein 1; plus strand). Cytogenetic location: 5q35.3.
Variant type: single nucleotide variant.
Coding change: c.6789G>A on transcript NM_022455.5 (MANE Select); coding-DNA position 6789, G replaced by A.
Protein change: p.Ser2263=; no amino-acid change (serine 2263 retained).
Molecular consequence: synonymous variant.
Genome position (GRCh38, 1-based): chr5:177,294,157, G>A. VCF-style: chr5-177294157-G-A. GRCh37 (hg19) VCF-style: chr5-176721158-G-A.
Other names: c.5916G>A, p.Ser1972= (NM_001365684.2, NM_001409308.1, NM_172349.5); c.6789G>A, p.Ser2263= (NM_001409301.1, NM_001409302.1, NM_001409303.1); c.6369G>A, p.Ser2123= (NM_001409304.1); c.6036G>A, p.Ser2012= (NM_001409305.1); c.6027G>A, p.Ser2009= (NM_001409306.1, NM_001409307.1); c.5667G>A, p.Ser1889= (NM_001409309.1).
Identifiers: ClinVar variation 4688308 (VCV004688308.2).

ClinVar aggregate classification (germline): Likely benign. Review status: criteria provided, multiple submitters, no conflicts (2 of 4 stars). 2 submissions from 2 submitters: Likely benign (2). Last evaluated 2025-12-30.

Conditions:
NSD1-related disorder. Also called: NSD1-related condition.

gnomAD v4.1: 47 of 1,613,970 alleles (0.0029%); highest among the groups gnomAD compares: African/African-American, 0.0093%; no homozygotes.

Submissions (2):

Women's Health and Genetics/Laboratory Corporation of America, LabCorp
Classification: Likely benign. Last evaluated: 2025-12-30. Review status: criteria provided, single submitter. Criteria: LabCorp Variant Classification Summary - May 2015. Collection method: clinical testing. Allele origin: germline.

PreventionGenetics, part of Exact Sciences
Classification: Likely benign for NSD1-related condition. Last evaluated: 2024-10-07. Review status: criteria provided, single submitter. Criteria: ACMG Guidelines, 2015. Collection method: clinical testing. Allele origin: germline.
Comment: This variant is classified as likely benign based on ACMG/AMP sequence variant interpretation guidelines (Richards et al. 2015 PMID: 25741868, with internal and published modifications).